The following is an entry in ClinVar:

ClinVar aggregate classification (germline): Pathogenic. Review status: criteria provided, multiple submitters, no conflicts (2 of 4 stars). 2 submissions from 2 submitters: Pathogenic (2). Last evaluated 2025-09-24.

Conditions:
Charcot-Marie-Tooth disease type 2. Also called: Charcot-Marie-Tooth type 2. Identifiers: Orphanet 64746, MedGen C0270914, MONDO:0018993.
Emery-Dreifuss muscular dystrophy 2, autosomal dominant (EDMD2). Also called: MUSCULAR DYSTROPHY WITH EARLY CONTRACTURES AND CARDIOMYOPATHY, AUTOSOMAL DOMINANT; SCAPULOILIOPERONEAL ATROPHY WITH CARDIOPATHY; Limb-girdle muscular dystrophy, type 1B; Muscular dystrophy, proximal, type 1B; Benign scapuloperoneal muscular dystrophy with cardiomyopathy; LMNA-Related Emery-Dreifuss Muscular Dystrophy, Autosomal. Identifiers: Orphanet 261, Orphanet 264, MedGen C0410190, MONDO:0021569, OMIM 181350.

Submissions (2):

3billion
Classification: Pathogenic for Emery-Dreifuss muscular dystrophy 2, autosomal dominant. Last evaluated: 2025-09-24. Review status: criteria provided, single submitter. Criteria: ACMG Guidelines, 2015. Collection method: clinical testing. Allele origin: germline. Affected: yes.
Comment: The variant is not observed in the gnomAD v4.1.0 dataset. Predicted Consequence/Location: Missense variant In silico tool predictions suggest damaging effect of the variant on gene or gene product [REVEL: 0.98 (>=0.6, sensitivity 0.68 and specificity 0.92); 3Cnet: 0.99 (> 0.75, sensitivity 0.96 and precision 0.92)]. The same nucleotide change resulting in the same amino acid change has been previously reported as pathogenic/likely pathogenic with strong evidence (ClinVar ID: VCV000476824 /PMID: 25572245). The variant has been reported to co-segregate with the disease in at least 3 similarly affected relatives/individuals in the same family or similarly affected unrelated families (PMID: 25572245). Different missense changes at the same codon (p.Trp520Cys, p.Trp520Gly, p.Trp520Ser) have been reported as pathogenic/likely pathogenic with strong evidence (ClinVar ID: VCV002734000, VCV003233370 /PMID: 10939567, 17493893, 28688748). Therefore, this variant is classified as Pathogenic according to the recommendation of ACMG/AMP guideline.

Labcorp Genetics (formerly Invitae), Labcorp
Classification: Pathogenic for Charcot-Marie-Tooth disease type 2. Last evaluated: 2021-08-13. Review status: criteria provided, single submitter. Criteria: Invitae Variant Classification Sherloc (09022015). Collection method: clinical testing. Allele origin: germline.

Literature cited by the submitters: PubMed 10939567 (cited by 3billion); PubMed 25572245 (cited by 3billion).

NM_170707.4(LMNA):c.1558T>C (p.Trp520Arg)

Gene: LMNA (lamin A/C; plus strand). Cytogenetic location: 1q22.
Variant type: single nucleotide variant.
Coding change: c.1558T>C on transcript NM_170707.4 (MANE Select); coding-DNA position 1558, T replaced by C.
Protein change: p.Trp520Arg; replaces tryptophan 520 with arginine.
Molecular consequence: missense variant.
Genome position (GRCh38, 1-based): chr1:156,137,182, T>C. VCF-style: chr1-156137182-T-C. GRCh37 (hg19) VCF-style: chr1-156106973-T-C.
Other names: c.1222T>C, p.Trp408Arg (NM_001257374.3); c.1315T>C, p.Trp439Arg (NM_001282624.2); c.1558T>C, p.Trp520Arg (NM_001282625.2, NM_001282626.2, NM_005572.4 and 1 more transcripts); short protein forms W520R, W408R, W439R.
Identifiers: ClinVar variation 476824 (VCV000476824.7), dbSNP rs267607557, ClinGen allele CA342823343.
Genomic context (GRCh38, chr1:156,137,182, plus strand): 5'-GCAGGAGCTGGGGCCACCCACAGCCCCCCTACCGACCTGGTGTGGAAGGCACAGAACACC[T>C]GGGGCTGCGGGAACAGCCTGCGTACGGCTCTCATCAACTCCACTGGGGAAGTAAGTAGGC-3'
Protein context (NP_733821.1, residues 510-530): TDLVWKAQNT[Trp520Arg]GCGNSLRTAL